The following is an entry in ClinVar:

NM_000404.4(GLB1):c.586G>C (p.Asp196His)

Gene: GLB1 (galactosidase beta 1; minus strand). Cytogenetic location: 3p22.3.
Variant type: single nucleotide variant.
Coding change: c.586G>C on transcript NM_000404.4 (MANE Select); coding-DNA position 586, G replaced by C.
Protein change: p.Asp196His; replaces aspartic acid 196 with histidine.
Molecular consequence: missense variant. On other transcripts: intron variant (1).
Genome position (GRCh38, 1-based): chr3:33,058,236, C>G on the plus strand (G>C on the coding strand, the complement: GLB1 is on the minus strand). VCF-style: chr3-33058236-C-G. GRCh37 (hg19) VCF-style: chr3-33099728-C-G.
Other names: c.496G>C, p.Asp166His (NM_001079811.3); c.730G>C, p.Asp244His (NM_001317040.2); c.586G>C, p.Asp196His (NM_001393580.1); c.341-4687G>C (NM_001135602.3); short protein forms D166H, D196H, D244H.
Identifiers: ClinVar variation 1401965 (VCV001401965.6), dbSNP rs2125533137, ClinGen allele CA352004730.

ClinVar aggregate classification (germline): Uncertain significance (1 of 4 stars; one submission).

Conditions:
Mucopolysaccharidosis, MPS-IV-B (MPS4B). Also called: MORQUIO SYNDROME B; Mucopolysaccharidosis Type IVB (Morquio B Disease); Mucopolysaccharidosis type 4B; Mucopolysaccharidosis type IVB (Morquio); MPS IVB; Mucopolysaccharidosis type IV B. Identifiers: Orphanet 309310, Orphanet 582, MedGen C0086652, MONDO:0009660, OMIM 253010.
GM1 gangliosidosis. Identifiers: Orphanet 354, MedGen C0085131, MONDO:0018149.

Submission:

Labcorp Genetics (formerly Invitae), Labcorp
Classification: Uncertain significance for Mucopolysaccharidosis, MPS-IV-B; GM1 gangliosidosis. Last evaluated: 2021-11-02. Review status: criteria provided, single submitter. Criteria: Invitae Variant Classification Sherloc (09022015). Collection method: clinical testing. Allele origin: germline.
Comment: In summary, the available evidence is currently insufficient to determine the role of this variant in disease. Therefore, it has been classified as a Variant of Uncertain Significance. Advanced modeling of protein sequence and biophysical properties (such as structural, functional, and spatial information, amino acid conservation, physicochemical variation, residue mobility, and thermodynamic stability) performed at Invitae indicates that this missense variant is expected to disrupt GLB1 protein function. This variant has not been reported in the literature in individuals affected with GLB1-related conditions. This variant is not present in population databases (gnomAD no frequency). This sequence change replaces aspartic acid, which is acidic and polar, with histidine, which is basic and polar, at codon 196 of the GLB1 protein (p.Asp196His).